The following is an entry in ClinVar:

ClinVar aggregate classification (germline): Uncertain significance (1 of 4 stars; one submission).

Conditions:
Cerebral creatine deficiency syndrome. Also called: Creatine deficiency syndromes. Identifiers: Orphanet 79172, MedGen C5244016, MONDO:0000456.

Submission:

Labcorp Genetics (formerly Invitae), Labcorp
Classification: Uncertain significance for Cerebral creatine deficiency syndrome. Last evaluated: 2024-05-22. Review status: criteria provided, single submitter. Criteria: Invitae Variant Classification Sherloc (09022015). Collection method: clinical testing. Allele origin: germline.
Comment: This sequence change replaces isoleucine, which is neutral and non-polar, with methionine, which is neutral and non-polar, at codon 73 of the GAMT protein (p.Ile73Met). This variant is not present in population databases (gnomAD no frequency). This variant has not been reported in the literature in individuals affected with GAMT-related conditions. ClinVar contains an entry for this variant (Variation ID: 2007646). Advanced modeling of protein sequence and biophysical properties (such as structural, functional, and spatial information, amino acid conservation, physicochemical variation, residue mobility, and thermodynamic stability) has been performed at Invitae for this missense variant, however the output from this modeling did not meet the statistical confidence thresholds required to predict the impact of this variant on GAMT protein function. In summary, the available evidence is currently insufficient to determine the role of this variant in disease. Therefore, it has been classified as a Variant of Uncertain Significance.

NM_000156.6(GAMT):c.219C>G (p.Ile73Met)

Gene: GAMT (guanidinoacetate N-methyltransferase; minus strand). Cytogenetic location: 19p13.3.
Variant type: single nucleotide variant.
Coding change: c.219C>G on transcript NM_000156.6 (MANE Select); coding-DNA position 219, C replaced by G.
Protein change: p.Ile73Met; replaces isoleucine 73 with methionine.
Molecular consequence: missense variant.
Genome position (GRCh38, 1-based): chr19:1,399,901, G>C on the plus strand (C>G on the coding strand, the complement: GAMT is on the minus strand). VCF-style: chr19-1399901-G-C. GRCh37 (hg19) VCF-style: chr19-1399900-G-C.
Other names: c.219C>G, p.Ile73Met (NM_138924.3); short protein forms I73M.
Identifiers: ClinVar variation 2007646 (VCV002007646.4), dbSNP rs1417220310, ClinGen allele CA402997018.